The following is an entry in ClinVar:

NM_022114.4(PRDM16):c.2940-15G>A

Gene: PRDM16 (PR/SET domain 16; plus strand). Cytogenetic location: 1p36.32.
Variant type: single nucleotide variant.
Coding change: c.2940-15G>A on transcript NM_022114.4 (MANE Select); 15 bases into the intron before coding-DNA position 2940, G replaced by A.
Molecular consequence: intron variant.
Genome position (GRCh38, 1-based): chr1:3,425,566, G>A. VCF-style: chr1-3425566-G-A. GRCh37 (hg19) VCF-style: chr1-3342130-G-A.
Other names: c.2940-15G>A (NM_199454.3).
Identifiers: ClinVar variation 229167 (VCV000229167.11), dbSNP rs538723120, ClinGen allele CA544676.

ClinVar aggregate classification (germline): Benign/Likely benign. Review status: criteria provided, multiple submitters, no conflicts (2 of 4 stars). 3 submissions from 3 submitters: Benign (1); Likely benign (2). Last evaluated 2025-12-01.

Conditions:
Left ventricular noncompaction 8 (LVNC8). Identifiers: Orphanet 154, Orphanet 54260, MedGen C3809288, MONDO:0014152, OMIM 615373.

Allele frequency attached by ClinVar (database versions not stated): 1000 Genomes Project 0.00080; gnomAD 0.00004 and 0.00011; TOPMed 0.00006; gnomAD exomes 0.00009 and 0.00019; ExAC 0.00022; 1000 Genomes Project 30x 0.00078.
gnomAD v4.1: 145 of 1,612,932 alleles (0.009%); highest among the groups gnomAD compares: South Asian, 0.13%; no homozygotes.

Submissions (3):

Labcorp Genetics (formerly Invitae), Labcorp
Classification: Likely benign for Left ventricular noncompaction 8. Last evaluated: 2025-12-01. Review status: criteria provided, single submitter. Criteria: Invitae Variant Classification Sherloc (09022015). Collection method: clinical testing. Allele origin: germline.

Laboratory for Molecular Medicine, Mass General Brigham Personalized Medicine
Classification: Benign. Last evaluated: 2019-07-08. Review status: criteria provided, single submitter. Criteria: LMM Criteria. Collection method: clinical testing. Allele origin: germline. Observed: 1 variant allele.
Comment: proposed classification - variant undergoing re-assessment, contact laboratory

GeneDx
Classification: Likely benign. Last evaluated: 2017-08-16. Review status: criteria provided, single submitter. Criteria: GeneDx Variant Classification (06012015). Collection method: clinical testing. Allele origin: germline. Affected: yes.
Comment: This variant is considered likely benign or benign based on one or more of the following criteria: it is a conservative change, it occurs at a poorly conserved position in the protein, it is predicted to be benign by multiple in silico algorithms, and/or has population frequency not consistent with disease.